The following is an entry in ClinVar:

NM_004260.4(RECQL4):c.1181G>T (p.Gly394Val)

Gene: RECQL4 (RecQ like helicase 4; minus strand). Cytogenetic location: 8q24.3.
Variant type: single nucleotide variant.
Coding change: c.1181G>T on transcript NM_004260.4 (MANE Select); coding-DNA position 1181, G replaced by T.
Protein change: p.Gly394Val; replaces glycine 394 with valine.
Molecular consequence: missense variant.
Genome position (GRCh38, 1-based): chr8:144,515,841, C>A on the plus strand (G>T on the coding strand, the complement: RECQL4 is on the minus strand). VCF-style: chr8-144515841-C-A. GRCh37 (hg19) VCF-style: chr8-145741225-C-A.
Other names: short protein forms G394V.
Identifiers: ClinVar variation 1035131 (VCV001035131.3), dbSNP rs1167568999, ClinGen allele CA372687651.

ClinVar aggregate classification (germline): Uncertain significance (1 of 4 stars; one submission).

Conditions:
Baller-Gerold syndrome (BGS). Also called: CRANIOSYNOSTOSIS WITH RADIAL DEFECTS. Identifiers: Orphanet 1225, MedGen C0265308, MONDO:0009039, OMIM 218600.

Submission:

Labcorp Genetics (formerly Invitae), Labcorp
Classification: Uncertain significance for Baller-Gerold syndrome. Last evaluated: 2020-08-01. Review status: criteria provided, single submitter. Criteria: Invitae Variant Classification Sherloc (09022015). Collection method: clinical testing. Allele origin: germline.
Comment: This variant has not been reported in the literature in individuals with RECQL4-related conditions. In summary, the available evidence is currently insufficient to determine the role of this variant in disease. Therefore, it has been classified as a Variant of Uncertain Significance. Experimental studies and prediction algorithms are not available or were not evaluated, and the functional significance of this variant is currently unknown. This variant is not present in population databases (ExAC no frequency). This sequence change replaces glycine with valine at codon 394 of the RECQL4 protein (p.Gly394Val). The glycine residue is weakly conserved and there is a moderate physicochemical difference between glycine and valine.